The following is an entry in ClinVar:

NM_007294.4(BRCA1):c.91A>G (p.Ile31Val)

Gene: BRCA1 (BRCA1 DNA repair associated; minus strand). Cytogenetic location: 17q21.31.
Variant type: single nucleotide variant.
Coding change: c.91A>G on transcript NM_007294.4 (MANE Select); coding-DNA position 91, A replaced by G.
Protein change: p.Ile31Val; replaces isoleucine 31 with valine.
Molecular consequence: missense variant. On other transcripts: non-coding transcript variant (1), intron variant (1).
Genome position (GRCh38, 1-based): chr17:43,115,769, T>C on the plus strand (A>G on the coding strand, the complement: BRCA1 is on the minus strand). VCF-style: chr17-43115769-T-C. GRCh37 (hg19) VCF-style: chr17-41267786-T-C.
Other names: c.-98A>G (NM_001407571.1, NM_001407853.1, NM_001407879.1 and 52 more transcripts); c.91A>G, p.Ile31Val (NM_001407581.1, NM_001407582.1, NM_001407583.1 and 192 more transcripts); c.-167A>G (NM_001407727.1, NM_001407731.1, NM_001407733.1 and 13 more transcripts); c.-51A>G (NM_001407728.1, NM_001407729.1, NM_001407730.1 and 47 more transcripts); c.-47A>G (NM_001407841.1); c.-214A>G (NM_001407889.1, NM_001407900.1, NM_001408492.1); c.-213A>G (NM_001407960.1, NM_001407962.1, NM_001408510.1 and 1 more transcripts); c.-329A>G (NM_001407965.1); and 2 more; short protein forms I31V.
Identifiers: ClinVar variation 823090 (VCV000823090.9), dbSNP rs1597912041, ClinGen allele CA10601972.

ClinVar aggregate classification (germline): Conflicting classifications of pathogenicity. Review status: criteria provided, conflicting classifications (1 of 4 stars). 3 submissions from 3 submitters: Uncertain significance (2); Likely benign (1). Last evaluated 2024-05-03.

Conditions:
Hereditary breast ovarian cancer syndrome. Also called: BRCA1- and BRCA2-Associated Hereditary Breast and Ovarian Cancer; Hereditary breast and ovarian cancer syndrome (HBOC); Hereditary breast and ovarian cancer syndrome; Breast and ovarian cancer; Hereditary breast and ovarian cancer; Hereditary breast and/or ovarian cancer syndrome. Identifiers: Orphanet 145, MedGen C0677776, MeSH D061325, MONDO:0003582. Disease mechanism: loss of function.
Hereditary cancer-predisposing syndrome. Also called: Hereditary Cancer Syndrome; Hereditary neoplastic syndrome; Neoplastic Syndromes, Hereditary; Tumor predisposition. Identifiers: Orphanet 140162, MedGen C0027672, MeSH D009386, MONDO:0015356.
Fanconi anemia, complementation group S (FANCS). Identifiers: MedGen C4554406, MONDO:0054748, OMIM 617883.

Submissions (4):

German Consortium for Hereditary Breast and Ovarian Cancer, University Hospital Cologne
Classification: Likely benign for Hereditary breast ovarian cancer syndrome. Last evaluated: 2024-05-03. Review status: criteria provided, single submitter. Criteria: ClinGen BRCA1 V1.0.0. Collection method: curation. Allele origin: germline.
Comment: According to the ClinGen ENIGMA BRCA1 v1.0.0 criteria we chose these criteria: PM2 (supporting pathogenic): absent from gnomAD, BP4 (supporting benign): BayesDel no-AF score ≤ 0.15 AND SpliceAI ≤0.1, BS3 (strong benign): Findlay et al. 2018, functional (BS3 met)

Department of Pathology and Laboratory Medicine, Sinai Health System
Classification: Uncertain significance for Fanconi anemia, complementation group S. Last evaluated: 2024-03-06. Review status: criteria provided, single submitter. Criteria: ACMG Guidelines, 2015. Collection method: clinical testing. Allele origin: germline. Affected: no.

Ambry Genetics
Classification: Uncertain significance for Hereditary cancer-predisposing syndrome. Last evaluated: 2019-05-22. Review status: criteria provided, single submitter. Criteria: Ambry Variant Classification Scheme 2023. Collection method: clinical testing. Allele origin: germline.
Comment: The p.I31V variant (also known as c.91A>G), located in coding exon 2 of the BRCA1 gene, results from an A to G substitution at nucleotide position 91. The isoleucine at codon 31 is replaced by valine, an amino acid with highly similar properties. This amino acid position is highly conserved in available vertebrate species. In addition, the in silico prediction for this alteration is inconclusive. Since supporting evidence is limited at this time, the clinical significance of this alteration remains unclear.

Brotman Baty Institute, University of Washington
No classification provided (evidence only). Condition: Breast-ovarian cancer, familial 1. Review status: no classification provided. Collection method: in vitro. Allele origin: not applicable. Functional consequence: functionally_normal. Not counted in ClinVar's aggregate classification.
ClinVar note: "not provided" was previously submitted as the classification for the variant. However, the classification appeared to be based only on an observation of functional data so it was converted to no classification on 2025-07-30.

Literature cited by the submitters: PubMed 30209399 (cited by Department of Pathology and Laboratory Medicine, Sinai Health System).